The following is an entry in ClinVar:

NM_020832.3(ZNF687):c.1592C>T (p.Thr531Ile)

Gene: ZNF687 (zinc finger protein 687; plus strand). Cytogenetic location: 1q21.3.
Variant type: single nucleotide variant.
Coding change: c.1592C>T on transcript NM_020832.3 (MANE Select); coding-DNA position 1592, C replaced by T.
Protein change: p.Thr531Ile; replaces threonine 531 with isoleucine.
Molecular consequence: missense variant.
Genome position (GRCh38, 1-based): chr1:151,287,883, C>T. VCF-style: chr1-151287883-C-T. GRCh37 (hg19) VCF-style: chr1-151260359-C-T.
Other names: c.1592C>T, p.Thr531Ile (NM_001304763.2, NM_001304764.2); short protein forms T531I.
Identifiers: ClinVar variation 3822456 (VCV003822456.2).
Genomic context (GRCh38, chr1:151,287,883, plus strand): 5'-TCCCTGCCTATAGGCCAAACCTGAGCCCACCAGCTGAGGCTGGGCTGGCCCTGCCTCCCA[C>T]CGGCTACCGCTGCCTGGAGTGTGGGGATGCCTTCTCATTGGAGAAGAGCCTGGCACGGCA-3'
Protein context (NP_065883.1, residues 521-541): PAEAGLALPP[Thr531Ile]GYRCLECGDA

ClinVar aggregate classification (germline): Uncertain significance. Review status: criteria provided, multiple submitters, no conflicts (2 of 4 stars). 2 submissions from 2 submitters: Uncertain significance (2). Last evaluated 2025-06-17.

gnomAD v4.1: 18 of 1,613,824 alleles (0.0011%); highest among the groups gnomAD compares: Non-Finnish European, 0.0014%; no homozygotes.

Submissions (2):

Labcorp Genetics (formerly Invitae), Labcorp
Classification: Uncertain significance. Last evaluated: 2025-06-17. Review status: criteria provided, single submitter. Criteria: Invitae Variant Classification Sherloc (09022015). Collection method: clinical testing. Allele origin: germline.
Comment: This sequence change replaces threonine, which is neutral and polar, with isoleucine, which is neutral and non-polar, at codon 531 of the ZNF687 protein (p.Thr531Ile). This variant is present in population databases (rs764378054, gnomAD 0.007%). This variant has not been reported in the literature in individuals affected with ZNF687-related conditions. ClinVar contains an entry for this variant (Variation ID: 3822456). An algorithm developed to predict the effect of missense changes on protein structure and function (PolyPhen-2) suggests that this variant is likely to be tolerated. In summary, the available evidence is currently insufficient to determine the role of this variant in disease. Therefore, it has been classified as a Variant of Uncertain Significance.

Ambry Genetics
Classification: Uncertain significance. Last evaluated: 2025-01-22. Review status: criteria provided, single submitter. Criteria: Ambry Variant Classification Scheme 2023. Collection method: clinical testing. Allele origin: germline.